The following is an entry in ClinVar:

NM_000136.3(FANCC):c.1669C>T (p.Gln557Ter)

Genes: AOPEP (aminopeptidase O (putative); plus strand), FANCC (FA complementation group C; minus strand). Cytogenetic location: 9q22.32.
Variant type: single nucleotide variant.
Coding change: c.1669C>T on transcript NM_000136.3 (MANE Select); coding-DNA position 1669, C replaced by T.
Protein change: p.Gln557Ter; replaces glutamine 557 with a stop codon.
Molecular consequence: nonsense.
Genome position (GRCh38, 1-based): chr9:95,101,715, G>A on the plus strand (C>T on the coding strand, the complement: FANCC is on the minus strand). VCF-style: chr9-95101715-G-A. GRCh37 (hg19) VCF-style: chr9-97863997-G-A.
Other names: c.1669C>T, p.Gln557Ter (NM_001243743.2); short protein forms Q557*.
Identifiers: ClinVar variation 5003873 (VCV005003873.1).

ClinVar aggregate classification (germline): Uncertain significance (1 of 4 stars; one submission).

Conditions:
Fanconi anemia complementation group C (FANCC). Also called: FANCONI PANCYTOPENIA, TYPE 3; FACC; Fanconi anemia, group C; FANCC-Related Fanconi Anemia. Identifiers: Orphanet 84, MedGen C3468041, MONDO:0009213, OMIM 227645.

Submission:

Myriad Genetics, Inc.
Classification: Uncertain significance for Fanconi anemia complementation group C. Last evaluated: 2026-02-25. Review status: criteria provided, single submitter. Criteria: Myriad Autosomal Dominant, Autosomal Recessive and X-Linked Classification Criteria (2023). Collection method: clinical testing. Allele origin: unknown.
Comment: NM_000136.2(FANCC):c.1669C>T(Q557*) is a nonsense variant classified as a variant of uncertain significance in the context of Fanconi anemia, FANCC-related. Q557* has not been observed in cases with relevant disease. Relevant functional assessments of this variant are not available in the literature. Q557* has not been observed in referenced population frequency databases. In summary, there is insufficient evidence to classify NM_000136.2(FANCC):c.1669C>T(Q557*) as pathogenic or benign. Please note: this variant was assessed in the context of healthy population screening.